The following is an entry in ClinVar:

NM_022829.6(SLC13A3):c.731T>C (p.Ile244Thr)

Gene: SLC13A3 (solute carrier family 13 member 3; minus strand). Cytogenetic location: 20q13.12.
Variant type: single nucleotide variant.
Coding change: c.731T>C on transcript NM_022829.6 (MANE Select); coding-DNA position 731, T replaced by C.
Protein change: p.Ile244Thr; replaces isoleucine 244 with threonine.
Molecular consequence: missense variant. On other transcripts: synonymous variant (1).
Genome position (GRCh38, 1-based): chr20:46,596,220, A>G on the plus strand (T>C on the coding strand, the complement: SLC13A3 is on the minus strand). VCF-style: chr20-46596220-A-G. GRCh37 (hg19) VCF-style: chr20-45224859-A-G.
Other names: c.590T>C, p.Ile197Thr (NM_001011554.3, NM_001193340.2); c.664T>C, p.Leu222= (NM_001193339.2); c.437T>C, p.Ile146Thr (NM_001193342.2); short protein forms I146T, I197T, I244T.
Identifiers: ClinVar variation 3016114 (VCV003016114.1), dbSNP rs780281580, ClinGen allele CA9891540.

ClinVar aggregate classification (germline): Uncertain significance (1 of 4 stars; one submission).

Allele frequency attached by ClinVar (database versions not stated): gnomAD 0.00001; ExAC 0.00002; gnomAD exomes 0.00002; TOPMed 0.00004.
gnomAD v4.1: 32 of 1,614,042 alleles (0.002%); highest among the groups gnomAD compares: South Asian, 0.0033%; no homozygotes.

Submission:

Labcorp Genetics (formerly Invitae), Labcorp
Classification: Uncertain significance. Last evaluated: 2023-05-19. Review status: criteria provided, single submitter. Criteria: Invitae Variant Classification Sherloc (09022015). Collection method: clinical testing. Allele origin: germline.
Comment: In summary, the available evidence is currently insufficient to determine the role of this variant in disease. Therefore, it has been classified as a Variant of Uncertain Significance. Advanced modeling of protein sequence and biophysical properties (such as structural, functional, and spatial information, amino acid conservation, physicochemical variation, residue mobility, and thermodynamic stability) performed at Invitae indicates that this missense variant is not expected to disrupt SLC13A3 protein function. This variant has not been reported in the literature in individuals affected with SLC13A3-related conditions. This variant is present in population databases (rs780281580, gnomAD 0.02%). This sequence change replaces isoleucine, which is neutral and non-polar, with threonine, which is neutral and polar, at codon 244 of the SLC13A3 protein (p.Ile244Thr).